The following is an entry in ClinVar:

ClinVar aggregate classification (germline): Uncertain significance (1 of 4 stars; one submission).

Submission:

Labcorp Genetics (formerly Invitae), Labcorp
Classification: Uncertain significance. Last evaluated: 2023-01-19. Review status: criteria provided, single submitter. Criteria: Invitae Variant Classification Sherloc (09022015). Collection method: clinical testing. Allele origin: germline.
Comment: In summary, the available evidence is currently insufficient to determine the role of this variant in disease. Therefore, it has been classified as a Variant of Uncertain Significance. Advanced modeling of protein sequence and biophysical properties (such as structural, functional, and spatial information, amino acid conservation, physicochemical variation, residue mobility, and thermodynamic stability) performed at Invitae indicates that this missense variant is expected to disrupt COL9A2 protein function. This variant has not been reported in the literature in individuals affected with COL9A2-related conditions. This variant is not present in population databases (gnomAD no frequency). This sequence change replaces glycine, which is neutral and non-polar, with alanine, which is neutral and non-polar, at codon 149 of the COL9A2 protein (p.Gly149Ala).

NM_001852.4(COL9A2):c.446G>C (p.Gly149Ala)

Gene: COL9A2 (collagen type IX alpha 2 chain; minus strand). Cytogenetic location: 1p34.2.
Variant type: single nucleotide variant.
Coding change: c.446G>C on transcript NM_001852.4 (MANE Select); coding-DNA position 446, G replaced by C.
Protein change: p.Gly149Ala; replaces glycine 149 with alanine.
Molecular consequence: missense variant.
Genome position (GRCh38, 1-based): chr1:40,311,687, C>G on the plus strand (G>C on the coding strand, the complement: COL9A2 is on the minus strand). VCF-style: chr1-40311687-C-G. GRCh37 (hg19) VCF-style: chr1-40777359-C-G.
Other names: short protein forms G149A.
Identifiers: ClinVar variation 2830263 (VCV002830263.3), dbSNP rs2522554290, ClinGen allele CA339856204.
Genomic context (GRCh38, chr1:40,311,687, plus strand): 5'-GCACTTTGCCATGTCGGGGGTCTGGGGACACTTACAGGTTTCCCAGGGGGTCCTGGGGGC[C>G]CCGATGGTCCATCTGGTCCAGGGTCCCCCTGGAAGCAAAAGAAGCCCAAATCATACCCCT-3'
Protein context (NP_001843.1, residues 139-159): KGDPGPDGPS[Gly149Ala]PPGPPGKPGR